The following is an entry in ClinVar:

NM_002485.5(NBN):c.1915-7A>G

Gene: NBN (nibrin; minus strand). Cytogenetic location: 8q21.3.
Variant type: single nucleotide variant.
Coding change: c.1915-7A>G on transcript NM_002485.5 (MANE Select); 7 bases into the intron before coding-DNA position 1915, A replaced by G.
Molecular consequence: intron variant.
Genome position (GRCh38, 1-based): chr8:89,946,302, T>C on the plus strand (A>G on the coding strand, the complement: NBN is on the minus strand). VCF-style: chr8-89946302-T-C. GRCh37 (hg19) VCF-style: chr8-90958530-T-C.
Other names: p.?; c.1669-7A>G (NM_001024688.3).
Identifiers: ClinVar variation 258768 (VCV000258768.50), dbSNP rs2308962, ClinGen allele CA4802639.

ClinVar aggregate classification (germline): Benign/Likely benign. Review status: criteria provided, multiple submitters, no conflicts (2 of 4 stars). 19 submissions from 18 submitters: Benign (14); Likely benign (1). 4 of the submissions do not count toward it. Last evaluated 2026-02-04.

Conditions:
Hereditary breast ovarian cancer syndrome. Also called: BRCA1- and BRCA2-Associated Hereditary Breast and Ovarian Cancer; Hereditary breast and ovarian cancer syndrome; Hereditary breast and ovarian cancer syndrome (HBOC); Hereditary breast and/or ovarian cancer syndrome; Hereditary breast and ovarian cancer; Breast and ovarian cancer. Identifiers: Orphanet 145, MedGen C0677776, MeSH D061325, MONDO:0003582. Disease mechanism: loss of function.
Acute lymphoid leukemia (ALL). Also called: Lymphoblastic leukemia; Acute lymphoblastic leukemia; Acute lymphocytic leukemia; Leukemia, acute lymphoblastic, somatic. Identifiers: Orphanet 513, MedGen C0023449, MONDO:0004967, OMIM 613065, HP:0006721.
Microcephaly, normal intelligence and immunodeficiency (NBS). Also called: BERLIN BREAKAGE SYNDROME; Nijmegen breakage syndrome; Microcephaly with normal intelligence immunodeficiency and lymphoreticular malignancies; Nonsyndromal microcephaly autosomal recessive with normal intelligence; Seemanova syndrome 2; IMMUNODEFICIENCY, MICROCEPHALY, AND CHROMOSOMAL INSTABILITY. Identifiers: Orphanet 647, MedGen C0398791, MONDO:0009623, OMIM 251260.
Hereditary cancer-predisposing syndrome. Also called: Tumor predisposition; Hereditary neoplastic syndrome; Hereditary Cancer Syndrome; Neoplastic Syndromes, Hereditary. Identifiers: Orphanet 140162, MedGen C0027672, MeSH D009386, MONDO:0015356.

Allele frequency attached by ClinVar (database versions not stated): ESP Exome Variant Server 0.31313; gnomAD 0.32733 and 0.33285; TOPMed 0.32860; gnomAD exomes 0.33232 and 0.35349; ExAC 0.35293; 1000 Genomes Project 30x 0.37149; 1000 Genomes Project 0.37899.
gnomAD v4.1: 521,300 of 1,566,918 alleles (33%); highest among the groups gnomAD compares: East Asian, 48%; 88,722 homozygotes.

Submissions (19):

Labcorp Genetics (formerly Invitae), Labcorp
Classification: Benign for Microcephaly, normal intelligence and immunodeficiency. Last evaluated: 2026-02-04. Review status: criteria provided, single submitter. Criteria: Invitae Variant Classification Sherloc (09022015). Collection method: clinical testing. Allele origin: germline.

ARUP Laboratories, Molecular Genetics and Genomics, ARUP Laboratories
Classification: Benign. Last evaluated: 2025-07-28. Review status: criteria provided, single submitter. Criteria: ARUP Molecular Germline Variant Investigation Process 2024. Collection method: clinical testing. Allele origin: germline.

GeneKor MSA
Classification: Benign for Hereditary cancer-predisposing syndrome. Last evaluated: 2025-07-10. Review status: criteria provided, single submitter. Criteria: ACMG Guidelines, 2015. Collection method: clinical testing. Allele origin: germline.

KCCC/NGS Laboratory, Kuwait Cancer Control Center
Classification: Benign for Microcephaly, normal intelligence and immunodeficiency. Last evaluated: 2025-02-01. Review status: criteria provided, single submitter. Criteria: ACMG Guidelines, 2015. Collection method: clinical testing. Allele origin: germline. Affected: no.

Blueprint Genetics
Classification: Likely benign. Last evaluated: 2024-11-27. Review status: criteria provided, single submitter. Criteria: ACMG Guidelines, 2015. Collection method: clinical testing. Allele origin: germline.

Unidad de Genómica Garrahan, Hospital de Pediatría Garrahan
Classification: Benign. Last evaluated: 2024-01-24. Review status: criteria provided, single submitter. Criteria: ACMG Guidelines, 2015. Collection method: clinical testing. Allele origin: germline. Affected: no. Observed: 60 variant alleles.
Comment: This variant is classified as Benign based on local population frequency. This variant was detected in 63% of patients studied by a panel of primary immunodeficiencies. Number of patients: 60. Only high quality variants are reported.

KCCC/NGS Laboratory, Kuwait Cancer Control Center
Classification: Benign for Acute lymphoid leukemia. Last evaluated: 2023-07-07. Review status: criteria provided, single submitter. Criteria: ACMG Guidelines, 2015. Collection method: clinical testing. Allele origin: germline. Affected: yes.

Mayo Clinic Laboratories, Mayo Clinic
Classification: Benign. Last evaluated: 2022-09-06. Review status: criteria provided, single submitter. Criteria: ACMG Guidelines, 2015. Collection method: clinical testing. Allele origin: germline. Observed: 611 variant alleles.

National Health Laboratory Service, Universitas Academic Hospital and University of the Free State
Classification: Benign for Hereditary breast ovarian cancer syndrome. Last evaluated: 2022-04-19. Review status: criteria provided, single submitter. Criteria: ACMG Guidelines, 2015. Collection method: clinical testing. Allele origin: germline. Affected: yes. Observed: 173 variant alleles.

Genome-Nilou Lab
Classification: Benign for Microcephaly, normal intelligence and immunodeficiency. Last evaluated: 2021-07-01. Review status: criteria provided, single submitter. Criteria: ACMG Guidelines, 2015. Collection method: clinical testing. Allele origin: germline. Affected: no.

Illumina Laboratory Services, Illumina
Classification: Benign for Microcephaly, normal intelligence and immunodeficiency. Last evaluated: 2018-01-12. Review status: criteria provided, single submitter. Criteria: ICSL Variant Classification Criteria 13 December 2019. Collection method: clinical testing. Allele origin: germline.
Comment: This variant was observed in the ICSL laboratory as part of a predisposition screen in an ostensibly healthy population. It had not been previously curated by ICSL or reported in the Human Gene Mutation Database (HGMD: prior to June 1st, 2018), and was therefore a candidate for classification through an automated scoring system. Utilizing variant allele frequency, disease prevalence and penetrance estimates, and inheritance mode, an automated score was calculated to assess if this variant is too frequent to cause the disease. Based on the score and internal cut-off values, a variant classified as benign is not then subjected to further curation. The score for this variant resulted in a classification of benign for this disease.

Laboratory for Molecular Medicine, Mass General Brigham Personalized Medicine
Classification: Benign. Last evaluated: 2016-03-28. Review status: criteria provided, single submitter. Criteria: LMM Criteria. Collection method: clinical testing. Allele origin: germline.
Comment: Variant identified in a genome or exome case(s) and assessed due to predicted null impact of the variant or pathogenic assertions in the literature or databases. Disclaimer: This variant has not undergone full assessment. The following are preliminary notes: Frequency

GeneDx
Classification: Benign. Last evaluated: 2015-03-03. Review status: criteria provided, single submitter. Criteria: GeneDx Variant Classification Process June 2021. Collection method: clinical testing. Allele origin: germline. Affected: yes.

Breakthrough Genomics
Classification: Benign. Review status: criteria provided, single submitter. Criteria: ACMG Guidelines, 2015. Collection method: not provided. Allele origin: germline. Inheritance: Autosomal recessive inheritance. Affected: yes.

PreventionGenetics, part of Exact Sciences
Classification: Benign. Review status: criteria provided, single submitter. Criteria: ACMG Guidelines, 2015. Collection method: clinical testing. Allele origin: germline.

Natera, Inc.
Classification: Benign for Nijmegen breakage syndrome. Last evaluated: 2020-09-16. Review status: no assertion criteria provided. Collection method: clinical testing. Allele origin: germline. Not counted in ClinVar's aggregate classification.

Clinical Genetics DNA and cytogenetics Diagnostics Lab, Erasmus MC, Erasmus Medical Center
Classification: Benign. Review status: no assertion criteria provided. Collection method: clinical testing. Allele origin: germline. Affected: yes. Study: VKGL Data-share Consensus. Not counted in ClinVar's aggregate classification.

Diagnostic Laboratory, Department of Genetics, University Medical Center Groningen
Classification: Benign. Review status: no assertion criteria provided. Collection method: clinical testing. Allele origin: germline. Affected: yes. Study: VKGL Data-share Consensus. Not counted in ClinVar's aggregate classification.

Joint Genome Diagnostic Labs from Nijmegen and Maastricht, Radboudumc and MUMC+
Classification: Benign. Review status: no assertion criteria provided. Collection method: clinical testing. Allele origin: germline. Affected: yes. Study: VKGL Data-share Consensus. Not counted in ClinVar's aggregate classification.